The following is an entry in ClinVar:

ClinVar aggregate classification (germline): Pathogenic (1 of 4 stars; one submission).

Conditions:
Autosomal recessive nonsyndromic hearing loss 2. Also called: NEUROSENSORY NONSYNDROMIC RECESSIVE DEAFNESS 2; DEAFNESS, AUTOSOMAL RECESSIVE 2. Identifiers: Orphanet 90636, MedGen C1838701, MONDO:0010807, OMIM 600060.

Submission:

Institute of Rare Diseases, West China Hospital, Sichuan University
Classification: Pathogenic for Autosomal recessive nonsyndromic hearing loss 2. Last evaluated: 2025-01-09. Review status: criteria provided, single submitter. Criteria: ClinGen HL ACMG Specifications v1. Collection method: research. Allele origin: germline. Affected: yes.
Comment: PVS1;PM3;PP1;PM2_Supporting

NM_000260.4(MYO7A):c.3346_3347del (p.Leu1116fs)

Gene: MYO7A (myosin VIIA; plus strand). Cytogenetic location: 11q13.5.
Variant type: Microsatellite.
Coding change: c.3346_3347del on transcript NM_000260.4 (MANE Select); coding-DNA positions 3346 to 3347, 2 bases deleted (CT; older notation c.3346_3347delCT).
Protein change: p.Leu1116fs; shifts the reading frame from leucine 1116.
Molecular consequence: frameshift variant.
Genome position (GRCh38, 1-based): chr11:77,183,128-77,183,129, CT deleted; deleting any 2 consecutive bases within chr11:77,183,126-77,183,129 gives the same sequence; the c. name uses the placement nearest the transcript's 3' end. VCF-style (leftmost placement, unchanged base first): chr11-77183125-ACT-A. GRCh37 (hg19) VCF-style: chr11-76894170-ACT-A.
Other names: c.3346_3347del, p.Leu1116fs (NM_001127180.2); c.3313_3314del, p.Leu1105fs (NM_001369365.1); short protein forms L1105fs, L1116fs.
Identifiers: ClinVar variation 3601470 (VCV003601470.1).